The following is an entry in ClinVar:

ClinVar aggregate classification (germline): Uncertain significance (1 of 4 stars; one submission).

Conditions:
Kabuki syndrome. Also called: NIIKAWA-KUROKI SYNDROME; Kabuki make-up syndrome. Identifiers: Orphanet 2322, MedGen C0796004, MONDO:0016512.

Submission:

Labcorp Genetics (formerly Invitae), Labcorp
Classification: Uncertain significance for Kabuki syndrome. Last evaluated: 2021-09-29. Review status: criteria provided, single submitter. Criteria: Invitae Variant Classification Sherloc (09022015). Collection method: clinical testing. Allele origin: germline.
Comment: This variant, c.13626_13628del, results in the deletion of 1 amino acid(s) of the KMT2D protein (p.Glu4542del), but otherwise preserves the integrity of the reading frame. This variant is not present in population databases (ExAC no frequency). This variant has not been reported in the literature in individuals affected with KMT2D-related conditions. This variant has been observed in at least one individual who was not affected with KMT2D-related conditions (Invitae). Experimental studies and prediction algorithms are not available or were not evaluated, and the functional significance of this variant is currently unknown. In summary, the available evidence is currently insufficient to determine the role of this variant in disease. Therefore, it has been classified as a Variant of Uncertain Significance.

NM_003482.4(KMT2D):c.13623GGA[1] (p.Glu4542del)

Gene: KMT2D (lysine methyltransferase 2D; minus strand). Cytogenetic location: 12q13.12.
Variant type: Microsatellite.
Coding change: c.13623GGA[1] on transcript NM_003482.4 (MANE Select); one copy of the 3-base unit GGA starting at c.13623; the reference has two copies in a row; one copy, 3 bases deleted.
Protein change: p.Glu4542del; deletes glutamic acid 4542.
Molecular consequence: inframe deletion.
Genome position (GRCh38, 1-based): chr12:49,030,936-49,030,938, TCC deleted on the plus strand (GGA on the coding strand, the reverse complement: KMT2D is on the minus strand); deleting any 3 consecutive bases within chr12:49,030,936-49,030,942 gives the same sequence; the position shown is the placement nearest the transcript's 3' end. VCF-style (leftmost placement, unchanged base first): chr12-49030935-GTCC-G. GRCh37 (hg19) VCF-style: chr12-49424718-GTCC-G.
Other names: short protein forms E4542del.
Identifiers: ClinVar variation 1392692 (VCV001392692.3), dbSNP rs2120411716, ClinGen allele CA2575144404.